The following is an entry in ClinVar:

ClinVar aggregate classification (germline): Uncertain significance (1 of 4 stars; one submission).

Submission:

Labcorp Genetics (formerly Invitae), Labcorp
Classification: Uncertain significance. Last evaluated: 2024-12-11. Review status: criteria provided, single submitter. Criteria: Invitae Variant Classification Sherloc (09022015). Collection method: clinical testing. Allele origin: germline.
Comment: This sequence change replaces proline, which is neutral and non-polar, with leucine, which is neutral and non-polar, at codon 31 of the NDUFA9 protein (p.Pro31Leu). This variant is not present in population databases (gnomAD no frequency). This variant has not been reported in the literature in individuals affected with NDUFA9-related conditions. An algorithm developed to predict the effect of missense changes on protein structure and function outputs the following: PolyPhen-2: "Benign". The leucine amino acid residue is found in multiple mammalian species, which suggests that this missense change does not adversely affect protein function. In summary, the available evidence is currently insufficient to determine the role of this variant in disease. Therefore, it has been classified as a Variant of Uncertain Significance.

NM_005002.5(NDUFA9):c.92C>T (p.Pro31Leu)

Gene: NDUFA9 (NADH:ubiquinone oxidoreductase subunit A9; plus strand). Cytogenetic location: 12p13.32.
Variant type: single nucleotide variant.
Coding change: c.92C>T on transcript NM_005002.5 (MANE Select); coding-DNA position 92, C replaced by T.
Protein change: p.Pro31Leu; replaces proline 31 with leucine.
Molecular consequence: missense variant.
Genome position (GRCh38, 1-based): chr12:4,654,334, C>T. VCF-style: chr12-4654334-C-T. GRCh37 (hg19) VCF-style: chr12-4763500-C-T.
Other names: short protein forms P31L.
Identifiers: ClinVar variation 3715726 (VCV003715726.2).